The following is an entry in ClinVar:

ClinVar aggregate classification (germline): Uncertain significance (1 of 4 stars; one submission).

Conditions:
Giant axonal neuropathy 1 (GAN1). Also called: GIANT AXONAL NEUROPATHY 1, AUTOSOMAL RECESSIVE; GAN-Related Neurodegeneration. Identifiers: Orphanet 643, MedGen C1850386, MONDO:0009749, OMIM 256850.

Allele frequency attached by ClinVar (database versions not stated): gnomAD exomes below 0.00001.
gnomAD v4.1: 1 of 1,614,102 alleles (0.000062%); highest among the groups gnomAD compares: Admixed American, 0.0017%; no homozygotes.

Submission:

Labcorp Genetics (formerly Invitae), Labcorp
Classification: Uncertain significance for Giant axonal neuropathy 1. Last evaluated: 2024-11-04. Review status: criteria provided, single submitter. Criteria: Invitae Variant Classification Sherloc (09022015). Collection method: clinical testing. Allele origin: germline.
Comment: This sequence change replaces threonine, which is neutral and polar, with isoleucine, which is neutral and non-polar, at codon 159 of the GAN protein (p.Thr159Ile). This variant is present in population databases (no rsID available, gnomAD 0.003%). This variant has not been reported in the literature in individuals affected with GAN-related conditions. ClinVar contains an entry for this variant (Variation ID: 937963). Invitae Evidence Modeling of protein sequence and biophysical properties (such as structural, functional, and spatial information, amino acid conservation, physicochemical variation, residue mobility, and thermodynamic stability) indicates that this missense variant is not expected to disrupt GAN protein function with a negative predictive value of 80%. In summary, the available evidence is currently insufficient to determine the role of this variant in disease. Therefore, it has been classified as a Variant of Uncertain Significance.

NM_022041.4(GAN):c.476C>T (p.Thr159Ile)

Gene: GAN (gigaxonin; plus strand). Cytogenetic location: 16q23.2.
Variant type: single nucleotide variant.
Coding change: c.476C>T on transcript NM_022041.4 (MANE Select); coding-DNA position 476, C replaced by T.
Protein change: p.Thr159Ile; replaces threonine 159 with isoleucine.
Molecular consequence: missense variant. On other transcripts: 5 prime UTR variant (1).
Genome position (GRCh38, 1-based): chr16:81,354,598, C>T. VCF-style: chr16-81354598-C-T. GRCh37 (hg19) VCF-style: chr16-81388203-C-T.
Other names: c.-164C>T (NM_001377486.1); short protein forms T159I.
Identifiers: ClinVar variation 937963 (VCV000937963.9), dbSNP rs1201363054, ClinGen allele CA396868555.